The following is an entry in ClinVar:

NM_020987.5(ANK3):c.5513A>C (p.Lys1838Thr)

Gene: ANK3 (ankyrin 3; minus strand). Cytogenetic location: 10q21.2.
Variant type: single nucleotide variant.
Coding change: c.5513A>C on transcript NM_020987.5 (MANE Select); coding-DNA position 5513, A replaced by C.
Protein change: p.Lys1838Thr; replaces lysine 1838 with threonine.
Molecular consequence: missense variant. On other transcripts: intron variant (4).
Genome position (GRCh38, 1-based): chr10:60,075,368, T>G on the plus strand (A>C on the coding strand, the complement: ANK3 is on the minus strand). VCF-style: chr10-60075368-T-G. GRCh37 (hg19) VCF-style: chr10-61835126-T-G.
Other names: c.4387+5169A>C (NM_001204403.2); c.4408+5169A>C (NM_001204404.2); c.4405+5169A>C (NM_001320874.2); c.1807+5169A>C (NM_001149.4); short protein forms K1838T.
Identifiers: ClinVar variation 4765096 (VCV004765096.1).

ClinVar aggregate classification (germline): Uncertain significance (1 of 4 stars; one submission).

gnomAD v4.1: 5 of 1,614,118 alleles (0.00031%); highest among the groups gnomAD compares: Non-Finnish European, 0.00042%; no homozygotes.

Submission:

Labcorp Genetics (formerly Invitae), Labcorp
Classification: Uncertain significance. Last evaluated: 2025-07-15. Review status: criteria provided, single submitter. Criteria: Invitae Variant Classification Sherloc (09022015). Collection method: clinical testing. Allele origin: germline.
Comment: This sequence change replaces lysine, which is basic and polar, with threonine, which is neutral and polar, at codon 1838 of the ANK3 protein (p.Lys1838Thr). This variant is present in population databases (no rsID available, gnomAD 0.0009%). This variant has not been reported in the literature in individuals affected with ANK3-related conditions. Invitae Evidence Modeling of protein sequence and biophysical properties (such as structural, functional, and spatial information, amino acid conservation, physicochemical variation, residue mobility, and thermodynamic stability) indicates that this missense variant is not expected to disrupt ANK3 protein function with a negative predictive value of 80%. In summary, the available evidence is currently insufficient to determine the role of this variant in disease. Therefore, it has been classified as a Variant of Uncertain Significance.